The following is an entry in ClinVar:

ClinVar aggregate classification (germline): Conflicting classifications of pathogenicity. Review status: criteria provided, conflicting classifications (1 of 4 stars). 4 submissions from 4 submitters: Uncertain significance (3); Likely benign (1). Last evaluated 2025-12-30.

Conditions:
Developmental and epileptic encephalopathy 94 (DEE94). Also called: CHD2-Related Neurodevelopmental Disorders; Epileptic encephalopathy, childhood-onset. Identifiers: Orphanet 1942, Orphanet 2382, MedGen C3809278, MONDO:0014150, OMIM 615369.
Inborn genetic diseases. Identifiers: MedGen C0950123, MeSH D030342.

Allele frequency attached by ClinVar (database versions not stated): TOPMed 0.00005; ESP Exome Variant Server 0.00008; gnomAD exomes 0.00016.
gnomAD v4.1: 229 of 1,612,638 alleles (0.014%); highest among the groups gnomAD compares: Non-Finnish European, 0.019%; no homozygotes.

Submissions (4):

Labcorp Genetics (formerly Invitae), Labcorp
Classification: Uncertain significance for Developmental and epileptic encephalopathy 94. Last evaluated: 2025-12-30. Review status: criteria provided, single submitter. Criteria: Invitae Variant Classification Sherloc (09022015). Collection method: clinical testing. Allele origin: germline.
Comment: This sequence change replaces threonine, which is neutral and polar, with arginine, which is basic and polar, at codon 801 of the CHD2 protein (p.Thr801Arg). This variant is present in population databases (rs372801085, gnomAD 0.008%). This variant has not been reported in the literature in individuals affected with CHD2-related conditions. ClinVar contains an entry for this variant (Variation ID: 861987). Invitae Evidence Modeling of protein sequence and biophysical properties (such as structural, functional, and spatial information, amino acid conservation, physicochemical variation, residue mobility, and thermodynamic stability) indicates that this missense variant is not expected to disrupt CHD2 protein function with a negative predictive value of 95%. In summary, the available evidence is currently insufficient to determine the role of this variant in disease. Therefore, it has been classified as a Variant of Uncertain Significance.

Ambry Genetics
Classification: Likely benign for Inborn genetic diseases. Last evaluated: 2025-09-19. Review status: criteria provided, single submitter. Criteria: Ambry Variant Classification Scheme 2023. Collection method: clinical testing. Allele origin: germline.

CeGaT Center for Human Genetics Tuebingen
Classification: Uncertain significance. Last evaluated: 2022-05-01. Review status: criteria provided, single submitter. Criteria: CeGaT Center For Human Genetics Tuebingen Variant Classification Criteria Version 2. Collection method: clinical testing. Allele origin: germline. Affected: yes. Observed: 1 variant allele.
Comment: CHD2: PP2

Revvity Omics, Revvity
Classification: Uncertain significance for Developmental and epileptic encephalopathy 94. Last evaluated: 2021-01-22. Review status: criteria provided, single submitter. Criteria: ACMG Guidelines, 2015. Collection method: clinical testing. Allele origin: germline.

NM_001271.4(CHD2):c.2402C>G (p.Thr801Arg)

Gene: CHD2 (chromodomain helicase DNA binding protein 2; plus strand). Cytogenetic location: 15q26.1.
Variant type: single nucleotide variant.
Coding change: c.2402C>G on transcript NM_001271.4 (MANE Select); coding-DNA position 2402, C replaced by G.
Protein change: p.Thr801Arg; replaces threonine 801 with arginine.
Molecular consequence: missense variant.
Genome position (GRCh38, 1-based): chr15:92,972,314, C>G. VCF-style: chr15-92972314-C-G. GRCh37 (hg19) VCF-style: chr15-93515544-C-G.
Other names: short protein forms T801R.
Identifiers: ClinVar variation 861987 (VCV000861987.36), dbSNP rs372801085, ClinGen allele CA7747975.
Genomic context (GRCh38, chr15:92,972,314, plus strand): 5'-TAAATCTTCAGTCCCTCATAAGGAGCAGTGGGAAGTTGATTTTATTAGACAAACTGTTGA[C>G]AAGACTTCGAGAAAGGGGGAATCGAGTGCTTATCTTCTCTCAGATGGTGAGAATGTTGGA-3'
Protein context (NP_001262.3, residues 791-811): GKLILLDKLL[Thr801Arg]RLRERGNRVL